The following is an entry in ClinVar:

NM_015346.4(ZFYVE26):c.6919T>C (p.Ser2307Pro)

Gene: ZFYVE26 (zinc finger FYVE-type containing 26; minus strand). Cytogenetic location: 14q24.1.
Variant type: single nucleotide variant.
Coding change: c.6919T>C on transcript NM_015346.4 (MANE Select); coding-DNA position 6919, T replaced by C.
Protein change: p.Ser2307Pro; replaces serine 2307 with proline.
Molecular consequence: missense variant.
Genome position (GRCh38, 1-based): chr14:67,755,118, A>G on the plus strand (T>C on the coding strand, the complement: ZFYVE26 is on the minus strand). VCF-style: chr14-67755118-A-G. GRCh37 (hg19) VCF-style: chr14-68221835-A-G.
Other names: short protein forms S2307P.
Identifiers: ClinVar variation 1430093 (VCV001430093.3), dbSNP rs1566863424, ClinGen allele CA390160582.

ClinVar aggregate classification (germline): Uncertain significance (1 of 4 stars; one submission).

Conditions:
Spastic paraplegia. Identifiers: MedGen C0037772, HP:0001258.

Allele frequency attached by ClinVar (database versions not stated): gnomAD exomes below 0.00001.
gnomAD v4.1: 6 of 1,614,004 alleles (0.00037%); highest among the groups gnomAD compares: Non-Finnish European, 0.00051%; no homozygotes.

Submission:

Labcorp Genetics (formerly Invitae), Labcorp
Classification: Uncertain significance for Spastic paraplegia. Last evaluated: 2021-12-02. Review status: criteria provided, single submitter. Criteria: Invitae Variant Classification Sherloc (09022015). Collection method: clinical testing. Allele origin: germline.
Comment: This sequence change replaces serine, which is neutral and polar, with proline, which is neutral and non-polar, at codon 2307 of the ZFYVE26 protein (p.Ser2307Pro). This variant is not present in population databases (gnomAD no frequency). This variant has not been reported in the literature in individuals affected with ZFYVE26-related conditions. Algorithms developed to predict the effect of missense changes on protein structure and function (SIFT, PolyPhen-2, Align-GVGD) all suggest that this variant is likely to be tolerated. In summary, the available evidence is currently insufficient to determine the role of this variant in disease. Therefore, it has been classified as a Variant of Uncertain Significance.